The following is an entry in ClinVar:

ClinVar aggregate classification (germline): Uncertain significance. Review status: criteria provided, multiple submitters, no conflicts (2 of 4 stars). 2 submissions from 2 submitters: Uncertain significance (2). Last evaluated 2016-03-29.

Allele frequency attached by ClinVar (database versions not stated): ExAC 0.00003; gnomAD 0.00001; TOPMed 0.00001; gnomAD exomes 0.00003.
gnomAD v4.1: 48 of 1,611,546 alleles (0.003%); highest among the groups gnomAD compares: Middle Eastern, 0.13%; no homozygotes.

Submissions (2):

Laboratory for Molecular Medicine, Mass General Brigham Personalized Medicine
Classification: Uncertain significance. Last evaluated: 2016-03-29. Review status: criteria provided, single submitter. Criteria: LMM Criteria. Collection method: clinical testing. Allele origin: germline.
Comment: Variant identified in a genome or exome case(s) and assessed due to predicted null impact of the variant or pathogenic assertions in the literature or databases. Disclaimer: This variant has not undergone full assessment. The following are preliminary notes: Classification based on presence outside of splice consensus sequence and low conservation

Breakthrough Genomics
Classification: Uncertain significance. Review status: criteria provided, single submitter. Criteria: ACMG Guidelines, 2015. Collection method: not provided. Allele origin: germline. Inheritance: Autosomal recessive inheritance. Affected: yes.

NM_017950.4(CCDC40):c.1317+42G>A

Gene: CCDC40 (coiled-coil domain 40 molecular ruler complex subunit; plus strand). Cytogenetic location: 17q25.3.
Variant type: single nucleotide variant.
Coding change: c.1317+42G>A on transcript NM_017950.4 (MANE Select); 42 bases into the intron after coding-DNA position 1317, G replaced by A.
Molecular consequence: intron variant.
Genome position (GRCh38, 1-based): chr17:80,058,693, G>A. VCF-style: chr17-80058693-G-A. GRCh37 (hg19) VCF-style: chr17-78032492-G-A.
Other names: c.1317+42G>A (NM_001243342.2, NM_001330508.2).
Identifiers: ClinVar variation 402500 (VCV000402500.5), dbSNP rs756283987, ClinGen allele CA8813786.